The following is an entry in ClinVar:

ClinVar aggregate classification (germline): Likely benign. Review status: criteria provided, multiple submitters, no conflicts (2 of 4 stars). 2 submissions from 2 submitters: Likely benign (2). Last evaluated 2018-06-14.

Allele frequency attached by ClinVar (database versions not stated): 1000 Genomes Project 0.01098; ESP Exome Variant Server 0.01117; 1000 Genomes Project 30x 0.01171; TOPMed 0.01279.
gnomAD v4.1: 3,467 of 1,384,556 alleles (0.25%); highest among the groups gnomAD compares: African/African-American, 3.8%; 56 homozygotes.

Submissions (2):

GeneDx
Classification: Likely benign. Last evaluated: 2018-06-14. Review status: criteria provided, single submitter. Criteria: GeneDx Variant Classification (06012015). Collection method: clinical testing. Allele origin: germline. Affected: yes.
Comment: This variant is considered likely benign or benign based on one or more of the following criteria: it is a conservative change, it occurs at a poorly conserved position in the protein, it is predicted to be benign by multiple in silico algorithms, and/or has population frequency not consistent with disease.

Breakthrough Genomics
Classification: Likely benign. Review status: criteria provided, single submitter. Criteria: ACMG Guidelines, 2015. Collection method: not provided. Allele origin: germline. Inheritance: Autosomal dominant inheritance. Affected: yes.

NM_000093.5(COL5A1):c.2899-72G>A

Gene: COL5A1 (collagen type V alpha 1 chain; plus strand). Cytogenetic location: 9q34.3.
Variant type: single nucleotide variant.
Coding change: c.2899-72G>A on transcript NM_000093.5 (MANE Select); 72 bases into the intron before coding-DNA position 2899, G replaced by A.
Molecular consequence: intron variant.
Genome position (GRCh38, 1-based): chr9:134,798,336, G>A. VCF-style: chr9-134798336-G-A. GRCh37 (hg19) VCF-style: chr9-137690182-G-A.
Other names: c.2899-72G>A (NM_001278074.1).
Identifiers: ClinVar variation 675601 (VCV000675601.2), dbSNP rs73561905, ClinGen allele CA201109699.